The following is an entry in ClinVar:

ClinVar aggregate classification (germline): Pathogenic (1 of 4 stars; one submission).

Allele frequency attached by ClinVar (database versions not stated): ExAC 0.00001.

Submission:

Labcorp Genetics (formerly Invitae), Labcorp
Classification: Pathogenic. Last evaluated: 2023-07-06. Review status: criteria provided, single submitter. Criteria: Invitae Variant Classification Sherloc (09022015). Collection method: clinical testing. Allele origin: germline.
Comment: For these reasons, this variant has been classified as Pathogenic. ClinVar contains an entry for this variant (Variation ID: 2032028). This variant has not been reported in the literature in individuals affected with RGS9-related conditions. This variant is present in population databases (rs779334298, gnomAD 0.0009%). This sequence change creates a premature translational stop signal (p.Trp114*) in the RGS9 gene. It is expected to result in an absent or disrupted protein product. Loss-of-function variants in RGS9 are known to be pathogenic (PMID: 11262419, 14702087).

Literature cited by the submitters: PubMed 11262419; PubMed 14702087.

NM_003835.4(RGS9):c.342G>A (p.Trp114Ter)

Gene: RGS9 (regulator of G protein signaling 9; plus strand). Cytogenetic location: 17q24.1.
Variant type: single nucleotide variant.
Coding change: c.342G>A on transcript NM_003835.4 (MANE Select); coding-DNA position 342, G replaced by A.
Protein change: p.Trp114Ter; replaces tryptophan 114 with a stop codon.
Molecular consequence: nonsense.
Genome position (GRCh38, 1-based): chr17:65,160,565, G>A. VCF-style: chr17-65160565-G-A. GRCh37 (hg19) VCF-style: chr17-63156683-G-A.
Other names: c.342G>A, p.Trp114Ter (NM_001081955.3, NM_001165933.2); short protein forms W114*.
Identifiers: ClinVar variation 2032028 (VCV002032028.4), dbSNP rs779334298, ClinGen allele CA8717611.